The following is an entry in ClinVar:

NM_000199.5(SGSH):c.746-15G>A

Gene: SGSH (N-sulfoglucosamine sulfohydrolase; minus strand). Cytogenetic location: 17q25.3.
Variant type: single nucleotide variant.
Coding change: c.746-15G>A on transcript NM_000199.5 (MANE Select); 15 bases into the intron before coding-DNA position 746, G replaced by A.
Molecular consequence: intron variant.
Genome position (GRCh38, 1-based): chr17:80,212,289, C>T on the plus strand (G>A on the coding strand, the complement: SGSH is on the minus strand). VCF-style: chr17-80212289-C-T. GRCh37 (hg19) VCF-style: chr17-78186088-C-T.
Other names: c.746-15G>A (NM_001352921.3, NM_001352922.2).
Identifiers: ClinVar variation 1421219 (VCV001421219.3), dbSNP rs373302525, ClinGen allele CA8817791.
Genomic context (GRCh38, chr17:80,212,289, plus strand): 5'-TTCAGGACACCGGCGTCACGCAGCTCCTGGAGCACCAGTCCAACTCCTGTGGTGAGGGGC[C>T]GAGAAGCAGAGCTCAGCCGCAGACACGGAGGGAGGCAGCGGGTGGTGTGTGTAGACCCAC-3'

ClinVar aggregate classification (germline): Uncertain significance (1 of 4 stars; one submission).

Conditions:
Mucopolysaccharidosis, MPS-III-A (MPS3A). Also called: HEPARAN SULFATE SULFATASE DEFICIENCY; SANFILIPPO SYNDROME A; SULFAMIDASE DEFICIENCY; MPS III A; MPS IIIA (Sanfilippo Syndrome Type A); Mucopolysaccharidosis type IIIA (Sanfilippo A). Identifiers: Orphanet 581, Orphanet 79269, MedGen C0086647, MONDO:0009655, OMIM 252900.

Allele frequency attached by ClinVar (database versions not stated): ESP Exome Variant Server 0.00008; gnomAD exomes 0.00004; ExAC 0.00005; gnomAD 0.00007 and 0.00009.

Submission:

Labcorp Genetics (formerly Invitae), Labcorp
Classification: Uncertain significance for Mucopolysaccharidosis, MPS-III-A. Last evaluated: 2022-07-05. Review status: criteria provided, single submitter. Criteria: Invitae Variant Classification Sherloc (09022015). Collection method: clinical testing. Allele origin: germline.
Comment: This sequence change falls in intron 6 of the SGSH gene. It does not directly change the encoded amino acid sequence of the SGSH protein. This variant is present in population databases (rs373302525, gnomAD 0.02%). This variant has not been reported in the literature in individuals affected with SGSH-related conditions. ClinVar contains an entry for this variant (Variation ID: 1421219). Algorithms developed to predict the effect of sequence changes on RNA splicing suggest that this variant may disrupt the consensus splice site. In summary, the available evidence is currently insufficient to determine the role of this variant in disease. Therefore, it has been classified as a Variant of Uncertain Significance.